The following is an entry in ClinVar:

ClinVar aggregate classification (germline): Benign. Review status: criteria provided, multiple submitters, no conflicts (2 of 4 stars). 5 submissions from 5 submitters: Benign (4). 1 of the submissions does not count toward it. Last evaluated 2026-02-02.

Conditions:
Monilethrix. Also called: Beaded hair. Identifiers: Orphanet 573, MedGen C0546966, MONDO:0008009, HP:0032470.

Allele frequency attached by ClinVar (database versions not stated): gnomAD 0.32296 and 0.32511; 1000 Genomes Project 30x 0.36321; ESP Exome Variant Server 0.31931; TOPMed 0.32284; ExAC 0.32313; 1000 Genomes Project 0.36262.
gnomAD v4.1: 491,604 of 1,613,278 alleles (30%); highest among the groups gnomAD compares: East Asian, 47%; 76,260 homozygotes.

Submissions (5):

Labcorp Genetics (formerly Invitae), Labcorp
Classification: Benign. Last evaluated: 2026-02-02. Review status: criteria provided, single submitter. Criteria: Invitae Variant Classification Sherloc (09022015). Collection method: clinical testing. Allele origin: germline.

GeneDx
Classification: Benign. Last evaluated: 2018-11-12. Review status: criteria provided, single submitter. Criteria: GeneDx Variant Classification Process June 2021. Collection method: clinical testing. Allele origin: germline. Affected: yes.

Illumina Laboratory Services, Illumina
Classification: Benign for Monilethrix-1. Last evaluated: 2018-01-12. Review status: criteria provided, single submitter. Criteria: ICSL Variant Classification Criteria 13 December 2019. Collection method: clinical testing. Allele origin: germline.
Comment: This variant was observed in the ICSL laboratory as part of a predisposition screen in an ostensibly healthy population. It had not been previously curated by ICSL or reported in the Human Gene Mutation Database (HGMD: prior to June 1st, 2018), and was therefore a candidate for classification through an automated scoring system. Utilizing variant allele frequency, disease prevalence and penetrance estimates, and inheritance mode, an automated score was calculated to assess if this variant is too frequent to cause the disease. Based on the score and internal cut-off values, a variant classified as benign is not then subjected to further curation. The score for this variant resulted in a classification of benign for this disease.

Breakthrough Genomics
Classification: Benign. Review status: criteria provided, single submitter. Criteria: ACMG Guidelines, 2015. Collection method: not provided. Allele origin: germline. Inheritance: Autosomal recessive inheritance. Affected: yes.

Epithelial Biology;  Institute of Medical Biology, Singapore
No classification provided. Review status: no classification provided. Collection method: not provided. Allele origin: not provided. Not counted in ClinVar's aggregate classification.

NM_002282.3(KRT83):c.558C>T (p.Asn186=)

Gene: KRT83 (keratin 83; minus strand). Cytogenetic location: 12q13.13.
Variant type: single nucleotide variant.
Coding change: c.558C>T on transcript NM_002282.3 (MANE Select); coding-DNA position 558, C replaced by T.
Protein change: p.Asn186=; no amino-acid change (asparagine 186 retained).
Molecular consequence: synonymous variant.
Genome position (GRCh38, 1-based): chr12:52,319,191, G>A on the plus strand (C>T on the coding strand, the complement: KRT83 is on the minus strand). VCF-style: chr12-52319191-G-A. GRCh37 (hg19) VCF-style: chr12-52712975-G-A.
Identifiers: ClinVar variation 66546 (VCV000066546.14), dbSNP rs3741715, ClinGen allele CA217288.
Genomic context (GRCh38, chr12:52,319,191, plus strand): 5'-CAGAACCCCTCCTGCCCACACTCACTTCTTCTTGTAGCCCTCCAGCACCTCCTGCACGTG[G>A]TTGAGCTCTGAGGCCAGCCTCCCACTGTCAGCCTCCACGCACTCGGCCTCCCGCCGCAGA-3'
Protein context (NP_002273.3, residues 176-196): ADSGRLASEL[Asn186=]HVQEVLEGYK